The following is an entry in ClinVar:

NM_001080467.3(MYO5B):c.1783G>A (p.Asp595Asn)

Gene: MYO5B (myosin VB; minus strand). Cytogenetic location: 18q21.1.
Variant type: single nucleotide variant.
Coding change: c.1783G>A on transcript NM_001080467.3 (MANE Select); coding-DNA position 1783, G replaced by A.
Protein change: p.Asp595Asn; replaces aspartic acid 595 with asparagine.
Molecular consequence: missense variant.
Genome position (GRCh38, 1-based): chr18:49,937,367, C>T on the plus strand (G>A on the coding strand, the complement: MYO5B is on the minus strand). VCF-style: chr18-49937367-C-T. GRCh37 (hg19) VCF-style: chr18-47463737-C-T.
Other names: short protein forms D595N.
Identifiers: ClinVar variation 2106407 (VCV002106407.4), dbSNP rs1238375083, ClinGen allele CA402446033.

ClinVar aggregate classification (germline): Uncertain significance (1 of 4 stars; one submission).

Allele frequency attached by ClinVar (database versions not stated): gnomAD exomes below 0.00001; TOPMed 0.00001.
gnomAD v4.1: 1 of 1,614,108 alleles (0.000062%); highest among the groups gnomAD compares: African/African-American, 0.0013%; no homozygotes.

Submission:

Labcorp Genetics (formerly Invitae), Labcorp
Classification: Uncertain significance. Last evaluated: 2022-03-04. Review status: criteria provided, single submitter. Criteria: Invitae Variant Classification Sherloc (09022015). Collection method: clinical testing. Allele origin: germline.
Comment: This sequence change replaces aspartic acid, which is acidic and polar, with asparagine, which is neutral and polar, at codon 595 of the MYO5B protein (p.Asp595Asn). This variant is present in population databases (no rsID available, gnomAD 0.007%). This variant has not been reported in the literature in individuals affected with MYO5B-related conditions. Algorithms developed to predict the effect of missense changes on protein structure and function (SIFT, PolyPhen-2, Align-GVGD) all suggest that this variant is likely to be tolerated. In summary, the available evidence is currently insufficient to determine the role of this variant in disease. Therefore, it has been classified as a Variant of Uncertain Significance.